The following is an entry in ClinVar:

NM_024312.5(GNPTAB):c.1113+54G>A

Gene: GNPTAB (N-acetylglucosamine-1-phosphate transferase subunits alpha and beta; minus strand). Cytogenetic location: 12q23.2.
Variant type: single nucleotide variant.
Coding change: c.1113+54G>A on transcript NM_024312.5 (MANE Select); 54 bases into the intron after coding-DNA position 1113, G replaced by A.
Molecular consequence: intron variant.
Genome position (GRCh38, 1-based): chr12:101,770,352, C>T on the plus strand (G>A on the coding strand, the complement: GNPTAB is on the minus strand). VCF-style: chr12-101770352-C-T. GRCh37 (hg19) VCF-style: chr12-102164130-C-T.
Identifiers: ClinVar variation 1706901 (VCV001706901.2), dbSNP rs77511527, ClinGen allele CA242462437.

ClinVar aggregate classification (germline): Likely benign (1 of 4 stars; one submission).

Allele frequency attached by ClinVar (database versions not stated): gnomAD 0.00837; TOPMed 0.00966; 1000 Genomes Project 0.01178; 1000 Genomes Project 30x 0.01327.
gnomAD v4.1: 2,338 of 1,445,468 alleles (0.16%); highest among the groups gnomAD compares: African/African-American, 2.9%; 39 homozygotes.

Submission:

GeneDx
Classification: Likely benign. Last evaluated: 2021-05-12. Review status: criteria provided, single submitter. Criteria: GeneDx Variant Classification Process June 2021. Collection method: clinical testing. Allele origin: germline. Affected: yes.
Comment: See Variant Classification Assertion Criteria.